The following is an entry in ClinVar:

ClinVar aggregate classification (germline): Uncertain significance (1 of 4 stars; one submission).

Conditions:
Cardiac arrhythmia. Also called: Cardiac rhythm disease; Arrhythmia. Identifiers: MedGen C0003811, MONDO:0007263, HP:0011675.

Submission:

Color Diagnostics, LLC DBA Color Health
Classification: Uncertain significance for Cardiac arrhythmia. Last evaluated: 2024-03-07. Review status: criteria provided, single submitter. Criteria: ACMG Guidelines, 2015. Collection method: clinical testing. Allele origin: germline.
Comment: This missense variant replaces glutamic acid with aspartic acid at codon 971 of the KCNH2 protein. Computational prediction suggests that this variant may not impact protein structure and function (internally defined REVEL score threshold <= 0.5, PMID: 27666373). To our knowledge, functional studies have not been reported for this variant. This variant has not been reported in individuals affected with cardiovascular disorders in the literature. This variant has not been identified in the general population by the Genome Aggregation Database (gnomAD). The available evidence is insufficient to determine the role of this variant in disease conclusively. Therefore, this variant is classified as a Variant of Uncertain Significance.

NM_000238.4(KCNH2):c.2913G>T (p.Glu971Asp)

Gene: KCNH2 (potassium voltage-gated channel subfamily H member 2; minus strand). Cytogenetic location: 7q36.1.
Variant type: single nucleotide variant.
Coding change: c.2913G>T on transcript NM_000238.4 (MANE Select); coding-DNA position 2913, G replaced by T.
Protein change: p.Glu971Asp; replaces glutamic acid 971 with aspartic acid.
Molecular consequence: missense variant.
Genome position (GRCh38, 1-based): chr7:150,947,658, C>A on the plus strand (G>T on the coding strand, the complement: KCNH2 is on the minus strand). VCF-style: chr7-150947658-C-A. GRCh37 (hg19) VCF-style: chr7-150644746-C-A.
Other names: c.1893G>T, p.Glu631Asp (NM_172057.3); short protein forms E631D, E971D.
Identifiers: ClinVar variation 926285 (VCV000926285.6), dbSNP rs1347067242, ClinGen allele CA369853150.